The following is an entry in ClinVar:

NM_173842.3(IL1RN):c.156_157del (p.Asn52fs)

Gene: IL1RN (interleukin 1 receptor antagonist; plus strand). Cytogenetic location: 2q14.1.
Variant type: Deletion.
Coding change: c.156_157del on transcript NM_173842.3 (MANE Select); coding-DNA positions 156 to 157, 2 bases deleted (CA; older notation c.156_157delCA).
Protein change: p.Asn52fs; shifts the reading frame from asparagine 52.
Molecular consequence: frameshift variant.
Genome position (GRCh38, 1-based): chr2:113,129,615-113,129,616, CA deleted; deleting any 2 consecutive bases within chr2:113,129,614-113,129,616 gives the same sequence; the c. name uses the placement nearest the transcript's 3' end. VCF-style (leftmost placement, unchanged base first): chr2-113129613-AAC-A. GRCh37 (hg19) VCF-style: chr2-113887190-AAC-A.
Other names: c.102_103del, p.Asn34fs (NM_000577.5); c.54_55del, p.Asn18fs (NM_001318914.2, NM_001379360.1, NM_173843.3); c.165_166del, p.Asn55fs (NM_173841.3); short protein forms N18fs, N55fs, N52fs, N34fs.
Identifiers: ClinVar variation 97905 (VCV000097905.10), dbSNP rs672601268, ClinGen allele CA224944.
Genomic context (GRCh38, chr2:113,129,613, plus strand): 5'-AGCTGAGTCCTTTTCCTTTTCAGAATCTGGGATGTTAACCAGAAGACCTTCTATCTGAGG[AAC>A]AACCAACTAGTTGCTGGATACTTGCAAGGACCAAATGTCAATTTAGAAGGTGAGTGGTTG-3'

ClinVar aggregate classification (germline): Pathogenic/Likely pathogenic. Review status: criteria provided, multiple submitters, no conflicts (2 of 4 stars). 4 submissions from 4 submitters: Pathogenic (1); Likely pathogenic (1). 2 of the submissions do not count toward it. Last evaluated 2023-05-22.

Conditions:
IL1RN-related disorders.
Sterile multifocal osteomyelitis with periostitis and pustulosis. Also called: CHRONIC RECURRENT MULTIFOCAL OSTEOMYELITIS 2, WITH PERIOSTITIS AND PUSTULOSIS. Identifiers: Orphanet 210115, MedGen C2748507, MONDO:0013021, OMIM 612852.

Submissions (4):

Labcorp Genetics (formerly Invitae), Labcorp
Classification: Pathogenic for Sterile multifocal osteomyelitis with periostitis and pustulosis. Last evaluated: 2023-05-22. Review status: criteria provided, single submitter. Criteria: Invitae Variant Classification Sherloc (09022015). Collection method: clinical testing. Allele origin: germline.
Comment: This premature translational stop signal has been observed in individual(s) with autosomal recessive interleukin 1 receptor antagonist deficiency (PMID: 19494218). ClinVar contains an entry for this variant (Variation ID: 97905). This variant is also known as c.156_157delCA p.N52KfsX25. This variant is present in population databases (rs672601268, gnomAD 0.0009%). This sequence change creates a premature translational stop signal (p.Asn55Lysfs*25) in the IL1RN gene. It is expected to result in an absent or disrupted protein product. Loss-of-function variants in IL1RN are known to be pathogenic (PMID: 19494218, 21792839, 22940634, 26100510). For these reasons, this variant has been classified as Pathogenic.

Blueprint Genetics
Classification: Likely pathogenic for IL1RN-related disorders. Last evaluated: 2019-04-09. Review status: criteria provided, single submitter. Criteria: ACMG Guidelines, 2015. Collection method: clinical testing. Allele origin: germline. Affected: yes. Observed: 3 variant alleles.

OMIM
Classification: Pathogenic for CHRONIC RECURRENT MULTIFOCAL OSTEOMYELITIS 2, WITH PERIOSTITIS AND PUSTULOSIS. Last evaluated: 2009-06-04. Review status: no assertion criteria provided. Collection method: literature only. Allele origin: germline. Not counted in ClinVar's aggregate classification.

Unité médicale des maladies autoinflammatoires, CHRU Montpellier
No classification provided. Review status: no classification provided. Collection method: not provided. Allele origin: unknown. Not counted in ClinVar's aggregate classification.

Literature cited by the submitters: PubMed 19494218 (cited by Labcorp Genetics (formerly Invitae), Labcorp and OMIM); PubMed 21792839 (cited by Labcorp Genetics (formerly Invitae), Labcorp); PubMed 22940634 (cited by Labcorp Genetics (formerly Invitae), Labcorp); PubMed 26100510 (cited by Labcorp Genetics (formerly Invitae), Labcorp).